The following is an entry in ClinVar:

NM_001364905.1(LRBA):c.3508G>A (p.Glu1170Lys)

Gene: LRBA (LPS responsive beige-like anchor protein; minus strand). Cytogenetic location: 4q31.3.
Variant type: single nucleotide variant.
Coding change: c.3508G>A on transcript NM_001364905.1 (MANE Select); coding-DNA position 3508, G replaced by A.
Protein change: p.Glu1170Lys; replaces glutamic acid 1170 with lysine.
Molecular consequence: missense variant.
Genome position (GRCh38, 1-based): chr4:150,852,202, C>T on the plus strand (G>A on the coding strand, the complement: LRBA is on the minus strand). VCF-style: chr4-150852202-C-T. GRCh37 (hg19) VCF-style: chr4-151773354-C-T.
Other names: c.3508G>A, p.Glu1170Lys (NM_001199282.3, NM_001367550.1, NM_006726.5); short protein forms E1170K.
Identifiers: ClinVar variation 1957784 (VCV001957784.5), dbSNP rs2546499698, ClinGen allele CA358456895.

ClinVar aggregate classification (germline): Uncertain significance (1 of 4 stars; one submission).

Conditions:
Combined immunodeficiency due to LRBA deficiency. Also called: Common variable immunodeficiency 8, with autoimmunity. Identifiers: Orphanet 445018, MedGen C3553512, MONDO:0013863, OMIM 614700.

Submission:

Labcorp Genetics (formerly Invitae), Labcorp
Classification: Uncertain significance for Combined immunodeficiency due to LRBA deficiency. Last evaluated: 2022-02-01. Review status: criteria provided, single submitter. Criteria: Invitae Variant Classification Sherloc (09022015). Collection method: clinical testing. Allele origin: germline.
Comment: In summary, the available evidence is currently insufficient to determine the role of this variant in disease. Therefore, it has been classified as a Variant of Uncertain Significance. Algorithms developed to predict the effect of missense changes on protein structure and function output the following: SIFT: "Deleterious"; PolyPhen-2: "Benign"; Align-GVGD: "Class C0". The lysine amino acid residue is found in multiple mammalian species, which suggests that this missense change does not adversely affect protein function. This variant has not been reported in the literature in individuals affected with LRBA-related conditions. This variant is not present in population databases (gnomAD no frequency). This sequence change replaces glutamic acid, which is acidic and polar, with lysine, which is basic and polar, at codon 1170 of the LRBA protein (p.Glu1170Lys).